The following is an entry in ClinVar:

NM_001382273.1(TNK2):c.2040G>C (p.Gln680His)

Gene: TNK2 (tyrosine kinase non receptor 2; minus strand). Cytogenetic location: 3q29.
Variant type: single nucleotide variant.
Coding change: c.2040G>C on transcript NM_001382273.1 (MANE Select); coding-DNA position 2040, G replaced by C.
Protein change: p.Gln680His; replaces glutamine 680 with histidine.
Molecular consequence: missense variant. On other transcripts: non-coding transcript variant (15).
Genome position (GRCh38, 1-based): chr3:195,868,258, C>G on the plus strand (G>C on the coding strand, the complement: TNK2 is on the minus strand). VCF-style: chr3-195868258-C-G. GRCh37 (hg19) VCF-style: chr3-195595129-C-G.
Other names: c.2112G>C, p.Gln704His (NM_001010938.2, NM_001382272.1); c.2091G>C, p.Gln697His (NM_001308046.2, NM_001382271.1); c.2040G>C, p.Gln680His (NM_001382274.1, NM_001387716.1, NM_001387717.1 and 1 more transcripts); c.2136G>C, p.Gln712His (NM_001382275.1, NM_001387707.1); c.1995G>C, p.Gln665His (NM_001386164.1, NM_001387709.1, NM_001387710.1 and 8 more transcripts); c.2067G>C, p.Gln689His (NM_001387708.1, NM_001387715.1); short protein forms Q697H, Q680H, Q689H, Q704H, Q712H, Q665H.
Identifiers: ClinVar variation 3695060 (VCV003695060.2).

ClinVar aggregate classification (germline): Uncertain significance (1 of 4 stars; one submission).

gnomAD v4.1: 12 of 1,604,734 alleles (0.00075%); highest among the groups gnomAD compares: African/African-American, 0.0013%; no homozygotes.

Submission:

Labcorp Genetics (formerly Invitae), Labcorp
Classification: Uncertain significance. Last evaluated: 2024-10-24. Review status: criteria provided, single submitter. Criteria: Invitae Variant Classification Sherloc (09022015). Collection method: clinical testing. Allele origin: germline.
Comment: This sequence change replaces glutamine, which is neutral and polar, with histidine, which is basic and polar, at codon 743 of the TNK2 protein (p.Gln743His). This variant is not present in population databases (gnomAD no frequency). This variant has not been reported in the literature in individuals affected with TNK2-related conditions. An algorithm developed to predict the effect of missense changes on protein structure and function outputs the following: PolyPhen-2: "Benign". The histidine amino acid residue is found in multiple mammalian species, which suggests that this missense change does not adversely affect protein function. In summary, the available evidence is currently insufficient to determine the role of this variant in disease. Therefore, it has been classified as a Variant of Uncertain Significance.